The following is an entry in ClinVar:

ClinVar aggregate classification (germline): Benign/Likely benign. Review status: criteria provided, multiple submitters, no conflicts (2 of 4 stars). 2 submissions from 2 submitters: Benign (1); Likely benign (1). Last evaluated 2022-09-11.

Allele frequency attached by ClinVar (database versions not stated): gnomAD exomes 0.00066 and 0.00168; ExAC 0.00193; gnomAD 0.00569 and 0.00609; ESP Exome Variant Server 0.00601; TOPMed 0.00676; 1000 Genomes Project 0.00819; 1000 Genomes Project 30x 0.00968.
gnomAD v4.1: 1,881 of 1,614,148 alleles (0.12%); highest among the groups gnomAD compares: African/African-American, 2.1%; 16 homozygotes.

Submissions (2):

GeneDx
Classification: Likely benign. Last evaluated: 2022-09-11. Review status: criteria provided, single submitter. Criteria: GeneDx Variant Classification Process June 2021. Collection method: clinical testing. Allele origin: germline. Affected: yes.
Comment: See Variant Classification Assertion Criteria.

Labcorp Genetics (formerly Invitae), Labcorp
Classification: Benign. Last evaluated: 2018-08-16. Review status: criteria provided, single submitter. Criteria: Invitae Variant Classification Sherloc (09022015). Collection method: clinical testing. Allele origin: germline.

NM_024608.4(NEIL1):c.754G>A (p.Asp252Asn)

Gene: NEIL1 (nei like DNA glycosylase 1; plus strand). Cytogenetic location: 15q24.2.
Variant type: single nucleotide variant.
Coding change: c.754G>A on transcript NM_024608.4 (MANE Select); coding-DNA position 754, G replaced by A.
Protein change: p.Asp252Asn; replaces aspartic acid 252 with asparagine.
Molecular consequence: missense variant. On other transcripts: non-coding transcript variant (1).
Genome position (GRCh38, 1-based): chr15:75,353,774, G>A. VCF-style: chr15-75353774-G-A. GRCh37 (hg19) VCF-style: chr15-75646115-G-A.
Other names: c.1012G>A, p.Asp338Asn (NM_001256552.1); c.448G>A, p.Asp150Asn (NM_001352520.2); short protein forms D338N, D150N, D252N.
Identifiers: ClinVar variation 779899 (VCV000779899.5), dbSNP rs5745926, ClinGen allele CA7665693.